The following is an entry in ClinVar:

ClinVar aggregate classification (germline): Uncertain significance (1 of 4 stars; one submission).

Conditions:
Ehlers-Danlos syndrome, spondylodysplastic type, 2 (EDSSPD2). Also called: Ehlers-Danlos syndrome, progeroid type, 2. Identifiers: Orphanet 536467, Orphanet 75496, MedGen C3809210, MONDO:0014139, OMIM 615349.
Spondyloepimetaphyseal dysplasia with joint laxity (SEMDJL). Identifiers: MedGen C0432243, MONDO:0019675.

Submission:

Labcorp Genetics (formerly Invitae), Labcorp
Classification: Uncertain significance for Ehlers-Danlos syndrome, spondylodysplastic type, 2; Spondyloepimetaphyseal dysplasia with joint laxity. Last evaluated: 2022-09-12. Review status: criteria provided, single submitter. Criteria: Invitae Variant Classification Sherloc (09022015). Collection method: clinical testing. Allele origin: germline.
Comment: In summary, the available evidence is currently insufficient to determine the role of this variant in disease. Therefore, it has been classified as a Variant of Uncertain Significance. Advanced modeling of protein sequence and biophysical properties (such as structural, functional, and spatial information, amino acid conservation, physicochemical variation, residue mobility, and thermodynamic stability) performed at Invitae indicates that this missense variant is not expected to disrupt B3GALT6 protein function. ClinVar contains an entry for this variant (Variation ID: 1431232). This variant has not been reported in the literature in individuals affected with B3GALT6-related conditions. The frequency data for this variant in the population databases is considered unreliable, as metrics indicate insufficient coverage at this position in the gnomAD database. This sequence change replaces serine, which is neutral and polar, with threonine, which is neutral and polar, at codon 65 of the B3GALT6 protein (p.Ser65Thr).

NM_080605.4(B3GALT6):c.194G>C (p.Ser65Thr)

Gene: B3GALT6 (beta-1,3-galactosyltransferase 6; plus strand). Cytogenetic location: 1p36.33.
Variant type: single nucleotide variant.
Coding change: c.194G>C on transcript NM_080605.4 (MANE Select); coding-DNA position 194, G replaced by C.
Protein change: p.Ser65Thr; replaces serine 65 with threonine.
Molecular consequence: missense variant.
Genome position (GRCh38, 1-based): chr1:1,232,472, G>C. VCF-style: chr1-1232472-G-C. GRCh37 (hg19) VCF-style: chr1-1167852-G-C.
Other names: short protein forms S65T.
Identifiers: ClinVar variation 1431232 (VCV001431232.8), dbSNP rs2100993440, ClinGen allele CA337823366.